The following is an entry in ClinVar:

NM_005559.4(LAMA1):c.2136G>A (p.Pro712=)

Gene: LAMA1 (laminin subunit alpha 1; minus strand). Cytogenetic location: 18p11.31.
Variant type: single nucleotide variant.
Coding change: c.2136G>A on transcript NM_005559.4 (MANE Select); coding-DNA position 2136, G replaced by A.
Protein change: p.Pro712=; no amino-acid change (proline 712 retained).
Molecular consequence: synonymous variant.
Genome position (GRCh38, 1-based): chr18:7,033,011, C>T on the plus strand (G>A on the coding strand, the complement: LAMA1 is on the minus strand). VCF-style: chr18-7033011-C-T. GRCh37 (hg19) VCF-style: chr18-7033010-C-T.
Identifiers: ClinVar variation 3251297 (VCV003251297.1), dbSNP rs139988519.

ClinVar aggregate classification (germline): Likely benign (1 of 4 stars; one submission).

gnomAD v4.1: 20 of 1,610,892 alleles (0.0012%); highest among the groups gnomAD compares: Middle Eastern, 0.049%; no homozygotes.

Submission:

Women's Health and Genetics/Laboratory Corporation of America, LabCorp
Classification: Likely benign. Last evaluated: 2024-04-29. Review status: criteria provided, single submitter. Criteria: LabCorp Variant Classification Summary - May 2015. Collection method: clinical testing. Allele origin: germline.
Comment: Variant summary: LAMA1 c.2136G>A alters a non-conserved nucleotide resulting in a synonymous change. Consensus agreement among computation tools predict no significant impact on normal splicing. However, these predictions have yet to be confirmed by functional studies. The variant allele was found at a frequency of 1.1e-05 in 1603896 control chromosomes (gnomAD, v4.1 dataset). To our knowledge, no occurrence of c.2136G>A in individuals affected with Ataxia-Intellectual Disability-Oculomotor Apraxia-Cerebellar Cysts Syndrome and no experimental evidence demonstrating its impact on protein function have been reported. No submitters have cited clinical-significance assessments for this variant to ClinVar. Based on the evidence outlined above, the variant was classified as likely benign.